The following is an entry in ClinVar:

NM_001267550.2(TTN):c.104837T>A (p.Leu34946Gln)

Genes: TTN (titin; minus strand), TTN-AS1 (TTN antisense RNA 1; plus strand). Cytogenetic location: 2q31.2.
Variant type: single nucleotide variant.
Coding change: c.104837T>A on transcript NM_001267550.2 (MANE Select); coding-DNA position 104837, T replaced by A.
Protein change: p.Leu34946Gln; replaces leucine 34946 with glutamine.
Molecular consequence: missense variant.
Genome position (GRCh38, 1-based): chr2:178,531,778, A>T on the plus strand (T>A on the coding strand, the complement: TTN is on the minus strand). VCF-style: chr2-178531778-A-T. GRCh37 (hg19) VCF-style: chr2-179396505-A-T.
Other names: c.99914T>A, p.Leu33305Gln (NM_001256850.1); c.77642T>A, p.Leu25881Gln (NM_003319.4); c.97133T>A, p.Leu32378Gln (NM_133378.4); c.78017T>A, p.Leu26006Gln (NM_133432.3); c.78218T>A, p.Leu26073Gln (NM_133437.4); short protein forms L26073Q, L33305Q, L34946Q, L25881Q, L26006Q, L32378Q.
Identifiers: ClinVar variation 2921373 (VCV002921373.3), dbSNP rs1185207035, ClinGen allele CA349410782.

ClinVar aggregate classification (germline): Uncertain significance (1 of 4 stars; one submission).

Conditions:
Dilated cardiomyopathy 1G (CMD1G). Identifiers: Orphanet 154, MedGen C1858763, MONDO:0011400, OMIM 604145.
Autosomal recessive limb-girdle muscular dystrophy type 2J (LGMDR10). Also called: Limb-girdle muscular dystrophy, type 2J; MUSCULAR DYSTROPHY, LIMB-GIRDLE, AUTOSOMAL RECESSIVE 10. Identifiers: Orphanet 140922, MedGen C1837342, MONDO:0012127, OMIM 608807.

Submission:

Labcorp Genetics (formerly Invitae), Labcorp
Classification: Uncertain significance for Dilated cardiomyopathy 1G; Autosomal recessive limb-girdle muscular dystrophy type 2J. Last evaluated: 2025-01-23. Review status: criteria provided, single submitter. Criteria: Invitae Variant Classification Sherloc (09022015). Collection method: clinical testing. Allele origin: germline.
Comment: This sequence change replaces leucine, which is neutral and non-polar, with glutamine, which is neutral and polar, at codon 34946 of the TTN protein (p.Leu34946Gln). This variant is not present in population databases (gnomAD no frequency). This variant has not been reported in the literature in individuals affected with TTN-related conditions. ClinVar contains an entry for this variant (Variation ID: 2921373). Experimental studies and prediction algorithms are not available or were not evaluated, and the functional significance of this variant is currently unknown. In summary, the available evidence is currently insufficient to determine the role of this variant in disease. Therefore, it has been classified as a Variant of Uncertain Significance.